The following is an entry in ClinVar:

NM_001103.4(ACTN2):c.1470G>C (p.Trp490Cys)

Gene: ACTN2 (actinin alpha 2; plus strand). Cytogenetic location: 1q43.
Variant type: single nucleotide variant.
Coding change: c.1470G>C on transcript NM_001103.4 (MANE Select); coding-DNA position 1470, G replaced by C.
Protein change: p.Trp490Cys; replaces tryptophan 490 with cysteine.
Molecular consequence: missense variant.
Genome position (GRCh38, 1-based): chr1:236,747,730, G>C. VCF-style: chr1-236747730-G-C. GRCh37 (hg19) VCF-style: chr1-236911030-G-C.
Other names: c.1470G>C, p.Trp490Cys (NM_001278343.2); c.846G>C, p.Trp282Cys (NM_001278344.2); short protein forms W282C, W490C.
Identifiers: ClinVar variation 1704799 (VCV001704799.3), dbSNP rs2527623753, ClinGen allele CA345384062.

ClinVar aggregate classification (germline): Uncertain significance (1 of 4 stars; one submission).

Submission:

GeneDx
Classification: Uncertain significance. Last evaluated: 2024-07-26. Review status: criteria provided, single submitter. Criteria: GeneDx Variant Classification Process June 2021. Collection method: clinical testing. Allele origin: germline. Affected: yes.
Comment: Not observed at significant frequency in large population cohorts (gnomAD); In silico analysis supports that this missense variant has a deleterious effect on protein structure/function; Has not been previously published as pathogenic or benign to our knowledge